The following is an entry in ClinVar:

NM_001330239.4(TJP1):c.3519G>A (p.Pro1173=)

Genes: TJP1 (tight junction protein 1; minus strand), LOC126862085 (P300/CBP strongly-dependent group 1 enhancer GRCh37_chr15:30010173-30011372; plus strand). Cytogenetic location: 15q13.1.
Variant type: single nucleotide variant.
Coding change: c.3519G>A on transcript NM_001330239.4 (MANE Select); coding-DNA position 3519, G replaced by A.
Protein change: p.Pro1173=; no amino-acid change (proline 1173 retained).
Molecular consequence: synonymous variant.
Genome position (GRCh38, 1-based): chr15:29,718,623, C>T on the plus strand (G>A on the coding strand, the complement: TJP1 is on the minus strand). VCF-style: chr15-29718623-C-T. GRCh37 (hg19) VCF-style: chr15-30010827-C-T.
Other names: c.3798G>A, p.Pro1266= (NM_001301025.3, NM_001355012.2); c.3291G>A, p.Pro1097= (NM_001301026.2); c.3531G>A, p.Pro1177= (NM_001355013.1); c.3519G>A, p.Pro1173= (NM_001355014.2, NM_003257.5); c.3279G>A, p.Pro1093= (NM_001355015.2, NM_175610.4).
Identifiers: ClinVar variation 3048847 (VCV003048847.2), dbSNP rs373286989, ClinGen allele CA7446747.

ClinVar aggregate classification (germline): Likely benign (0 of 4 stars; one submission).

Conditions:
TJP1-related disorder. Also called: TJP1-related condition.

Allele frequency attached by ClinVar (database versions not stated): gnomAD exomes 0.00002; ExAC 0.00007; ESP Exome Variant Server 0.00008; 1000 Genomes Project 30x 0.00016; gnomAD 0.00018; 1000 Genomes Project 0.00020; TOPMed 0.00022.
gnomAD v4.1: 57 of 1,614,138 alleles (0.0035%); highest among the groups gnomAD compares: African/African-American, 0.065%; no homozygotes.

Submission:

PreventionGenetics, part of Exact Sciences
Classification: Likely benign for TJP1-related condition. Last evaluated: 2019-11-16. Review status: no assertion criteria provided. Collection method: clinical testing. Allele origin: germline.
Comment: This variant is classified as likely benign based on ACMG/AMP sequence variant interpretation guidelines (Richards et al. 2015 PMID: 25741868, with internal and published modifications).